The following is an entry in ClinVar:

NM_001110556.2(FLNA):c.1038C>T (p.Tyr346=)

Gene: FLNA (filamin A; minus strand). Cytogenetic location: Xq28.
Variant type: single nucleotide variant.
Coding change: c.1038C>T on transcript NM_001110556.2 (MANE Select); coding-DNA position 1038, C replaced by T.
Protein change: p.Tyr346=; no amino-acid change (tyrosine 346 retained).
Molecular consequence: synonymous variant.
Genome position (GRCh38, 1-based): chrX:154,366,589, G>A on the plus strand (C>T on the coding strand, the complement: FLNA is on the minus strand). VCF-style: chrX-154366589-G-A. GRCh37 (hg19) VCF-style: chrX-153594957-G-A.
Other names: c.1038C>T (NM_001110556.1); c.1038C>T, p.Tyr346= (NM_001456.4).
Identifiers: ClinVar variation 384906 (VCV000384906.17), dbSNP rs1057522072, ClinGen allele CA16608783.

ClinVar aggregate classification (germline): Likely benign. Review status: criteria provided, multiple submitters, no conflicts (2 of 4 stars). 4 submissions from 4 submitters: Likely benign (3). 1 of the submissions does not count toward it. Last evaluated 2025-12-29.

Conditions:
Oto-palato-digital syndrome, type II (OPD2). Also called: FACIOPALATOOSSEOUS SYNDROME; OPD II SYNDROME; Otopalatodigital Syndrome Type 2 (FLNA-OPD2); Otopalatodigital Syndrome, Type II. Identifiers: Orphanet 669, Orphanet 90652, MedGen C1844696, MONDO:0010571, OMIM 304120.
Heterotopia, periventricular, X-linked dominant (PVNH1). Also called: PERIVENTRICULAR NODULAR HETEROTOPIA 1; X-linked periventricular heterotopia; PERIVENTRICULAR NODULAR HETEROTOPIA 4; HETEROTOPIA, PERIVENTRICULAR, 1. Identifiers: Orphanet 2149, Orphanet 82004, MedGen C1848213, MONDO:0010233, OMIM 300049.
Frontometaphyseal dysplasia (FMD1). Identifiers: Orphanet 1826, MedGen C0265293, MONDO:0015942.
Melnick-Needles syndrome (MNS). Also called: MELNICK-NEEDLES OSTEODYSPLASTY; OSTEODYSPLASTY OF MELNICK AND NEEDLES; Melnick-Needles Syndrome (FLNA-MNS). Identifiers: Orphanet 2484, MedGen C0025237, MONDO:0010650, OMIM 309350.
FLNA-related disorder.
Familial thoracic aortic aneurysm and aortic dissection (TAAD). Also called: Thoracic aortic aneurysms and dissections. Identifiers: Orphanet 91387, MedGen C4707243, MONDO:0019625.

Allele frequency attached by ClinVar (database versions not stated): TOPMed below 0.00001; gnomAD 0.00001 and 0.00002; gnomAD exomes 0.00001.

Submissions (4):

Labcorp Genetics (formerly Invitae), Labcorp
Classification: Likely benign for Oto-palato-digital syndrome, type II; Heterotopia, periventricular, X-linked dominant; Frontometaphyseal dysplasia; Melnick-Needles syndrome. Last evaluated: 2025-12-29. Review status: criteria provided, single submitter. Criteria: Invitae Variant Classification Sherloc (09022015). Collection method: clinical testing. Allele origin: germline.

Ambry Genetics
Classification: Likely benign for Familial thoracic aortic aneurysm and aortic dissection. Last evaluated: 2022-02-21. Review status: criteria provided, single submitter. Criteria: Ambry Variant Classification Scheme 2023. Collection method: clinical testing. Allele origin: germline.

GeneDx
Classification: Likely benign. Last evaluated: 2020-09-29. Review status: criteria provided, single submitter. Criteria: GeneDx Variant Classification Process June 2021. Collection method: clinical testing. Allele origin: germline. Affected: yes.

PreventionGenetics, part of Exact Sciences
Classification: Likely benign for FLNA-related condition. Last evaluated: 2021-05-12. Review status: no assertion criteria provided. Collection method: clinical testing. Allele origin: germline. Not counted in ClinVar's aggregate classification.
Comment: This variant is classified as likely benign based on ACMG/AMP sequence variant interpretation guidelines (Richards et al. 2015 PMID: 25741868, with internal and published modifications).